The following is an entry in ClinVar:

ClinVar aggregate classification (germline): Uncertain significance (1 of 4 stars; one submission).

Conditions:
Hereditary cancer-predisposing syndrome. Also called: Tumor predisposition; Neoplastic Syndromes, Hereditary; Hereditary Cancer Syndrome; Hereditary neoplastic syndrome. Identifiers: Orphanet 140162, MedGen C0027672, MeSH D009386, MONDO:0015356.

Submission:

Ambry Genetics
Classification: Uncertain significance for Hereditary cancer-predisposing syndrome. Last evaluated: 2024-11-06. Review status: criteria provided, single submitter. Criteria: Ambry Variant Classification Scheme 2023. Collection method: clinical testing. Allele origin: germline.
Comment: The p.M562L variant (also known as c.1684A>T), located in coding exon 9 of the DICER1 gene, results from an A to T substitution at nucleotide position 1684. The methionine at codon 562 is replaced by leucine, an amino acid with highly similar properties. This amino acid position is conserved. In addition, the in silico prediction for this alteration is inconclusive. Based on the available evidence, the clinical significance of this variant remains unclear.

NM_177438.3(DICER1):c.1684A>T (p.Met562Leu)

Gene: DICER1 (dicer 1, ribonuclease III; minus strand). Cytogenetic location: 14q32.13.
Variant type: single nucleotide variant.
Coding change: c.1684A>T on transcript NM_177438.3 (MANE Select); coding-DNA position 1684, A replaced by T.
Protein change: p.Met562Leu; replaces methionine 562 with leucine.
Molecular consequence: missense variant. On other transcripts: initiator codon variant (1), non-coding transcript variant (6).
Genome position (GRCh38, 1-based): chr14:95,116,521, T>A on the plus strand (A>T on the coding strand, the complement: DICER1 is on the minus strand). VCF-style: chr14-95116521-T-A. GRCh37 (hg19) VCF-style: chr14-95582858-T-A.
Other names: c.1684A>T, p.Met562Leu (NM_001195573.1, NM_001271282.3, NM_001291628.2 and 12 more transcripts); c.1402A>T, p.Met468Leu (NM_001395686.1); c.1279A>T, p.Met427Leu (NM_001395687.1, NM_001395688.1, NM_001395689.1 and 3 more transcripts); c.1117A>T, p.Met373Leu (NM_001395691.1); c.1A>T, p.Met1Leu (NM_001395697.1); short protein forms M1L, M562L, M373L, M427L, M468L.
Identifiers: ClinVar variation 3501810 (VCV003501810.1).